The following is an entry in ClinVar:

ClinVar aggregate classification (germline): Uncertain significance (1 of 4 stars; one submission).

Conditions:
Candidiasis, familial, 9 (CANDF9). Identifiers: Orphanet 1334, MedGen C4225324, MONDO:0014642, OMIM 616445.

Submission:

Labcorp Genetics (formerly Invitae), Labcorp
Classification: Uncertain significance for Candidiasis, familial, 9. Last evaluated: 2023-10-13. Review status: criteria provided, single submitter. Criteria: Invitae Variant Classification Sherloc (09022015). Collection method: clinical testing. Allele origin: germline.
Comment: This sequence change replaces asparagine, which is neutral and polar, with serine, which is neutral and polar, at codon 257 of the IL17RC protein (p.Asn257Ser). This variant is not present in population databases (gnomAD no frequency). This variant has not been reported in the literature in individuals affected with IL17RC-related conditions. Algorithms developed to predict the effect of missense changes on protein structure and function output the following: SIFT: "Not Available"; PolyPhen-2: "Benign"; Align-GVGD: "Not Available". The serine amino acid residue is found in multiple mammalian species, which suggests that this missense change does not adversely affect protein function. In summary, the available evidence is currently insufficient to determine the role of this variant in disease. Therefore, it has been classified as a Variant of Uncertain Significance.

NM_153460.4(IL17RC):c.557A>G (p.Asn186Ser)

Gene: IL17RC (interleukin 17 receptor C; plus strand). Cytogenetic location: 3p25.3.
Variant type: single nucleotide variant.
Coding change: c.557A>G on transcript NM_153460.4 (MANE Select); coding-DNA position 557, A replaced by G.
Protein change: p.Asn186Ser; replaces asparagine 186 with serine.
Molecular consequence: missense variant. On other transcripts: non-coding transcript variant (1).
Genome position (GRCh38, 1-based): chr3:9,920,582, A>G. VCF-style: chr3-9920582-A-G. GRCh37 (hg19) VCF-style: chr3-9962266-A-G.
Other names: c.557A>G, p.Asn186Ser (NM_001203263.2, NM_001203264.2, NM_001203265.2 and 4 more transcripts); c.482A>G, p.Asn161Ser (NM_001367279.1); c.770A>G, p.Asn257Ser (NM_153461.4); short protein forms N161S, N186S, N257S.
Identifiers: ClinVar variation 2747306 (VCV002747306.3), dbSNP rs2470142949, ClinGen allele CA351757358.